The following is an entry in ClinVar:

ClinVar aggregate classification (germline): Pathogenic (1 of 4 stars; one submission).

Submission:

GeneDx
Classification: Pathogenic. Last evaluated: 2016-06-27. Review status: criteria provided, single submitter. Criteria: GeneDx Variant Classification (06012015). Collection method: clinical testing. Allele origin: germline. Affected: yes.
Comment: The c.1422_1434del13ins16 pathogenic variant in the SLC6A8 gene has not been reported previously as a pathogenic variant nor as a benign variant, to our knowledge. The c.1422_1434del13ins16 variant results in the replacement of the normal Tyrosine residue at position 475 with a premature Stop codon, denoted p.Y475X. This variant is predicted to cause loss of normal protein function either through protein truncation or nonsense-mediated mRNA decay. The c.1422_1434del13ins16 variant was not observed in approximately 6500 individuals of European and African American ancestry in the NHLBI Exome Sequencing Project, indicating it is not a common benign variant in these populations.

NM_005629.4(SLC6A8):c.1422_1434delinsTTGACTACTACTACAG (p.Tyr475_Ala478delinsTer)

Gene: SLC6A8 (solute carrier family 6 member 8; plus strand). Cytogenetic location: Xq28.
Variant type: Indel.
Coding change: c.1422_1434delinsTTGACTACTACTACAG on transcript NM_005629.4 (MANE Select); coding-DNA positions 1422 to 1434, CTACTACTCGGCC replaced by TTGACTACTACTACAG.
Protein change: p.Tyr475_Ala478delinsTer.
Molecular consequence: nonsense.
Genome position (GRCh38, 1-based): chrX:153,694,373-153,694,385, CTACTACTCGGCC replaced by TTGACTACTACTACAG. VCF-style: chrX-153694373-CTACTACTCGGCC-TTGACTACTACTACAG. GRCh37 (hg19) VCF-style: chrX-152959828-CTACTACTCGGCC-TTGACTACTACTACAG.
Other names: c.1392_1404delinsTTGACTACTACTACAG, p.Tyr465_Ala468delinsTer (NM_001142805.2); c.1077_1089delinsTTGACTACTACTACAG, p.Tyr360_Ala363delinsTer (NM_001142806.1).
Identifiers: ClinVar variation 280683 (VCV000280683.1), dbSNP rs886041845, ClinGen allele CA10603708.
Genomic context (GRCh38, chrX:153,694,373, plus strand): 5'-CCATCCTCCCTGACTGGGCTCTGTCCCCCAGGGCGGGATGTACGTCTTCCAGCTGTTTGA[CTACTACTCGGCC>TTGACTACTACTACAG]AGCGGCACCACCCTGCTCTGGCAGGCCTTTTGGGAGTGCGTGGTGGTGGCCTGGGTGTAC-3'